The following is an entry in ClinVar:

NM_052876.4(NACC1):c.494G>A (p.Arg165Gln)

Gene: NACC1 (nucleus accumbens associated 1; plus strand). Cytogenetic location: 19p13.13.
Variant type: single nucleotide variant.
Coding change: c.494G>A on transcript NM_052876.4 (MANE Select); coding-DNA position 494, G replaced by A.
Protein change: p.Arg165Gln; replaces arginine 165 with glutamine.
Molecular consequence: missense variant.
Genome position (GRCh38, 1-based): chr19:13,135,701, G>A. VCF-style: chr19-13135701-G-A. GRCh37 (hg19) VCF-style: chr19-13246515-G-A.
Other names: short protein forms R165Q.
Identifiers: ClinVar variation 3368797 (VCV003368797.2).

ClinVar aggregate classification (germline): Uncertain significance (1 of 4 stars; one submission).

Submission:

GeneDx
Classification: Uncertain significance. Last evaluated: 2024-12-23. Review status: criteria provided, single submitter. Criteria: GeneDx Variant Classification Process June 2021. Collection method: clinical testing. Allele origin: germline.
Comment: Not observed at significant frequency in large population cohorts (gnomAD); In silico analysis indicates that this missense variant does not alter protein structure/function; In silico analysis suggests this variant may impact gene splicing. In the absence of RNA/functional studies, the actual effect of this sequence change is unknown.; Has not been previously published as pathogenic or benign to our knowledge